The following is an entry in ClinVar:

NM_001430.5(EPAS1):c.2090C>T (p.Pro697Leu)

Gene: EPAS1 (endothelial PAS domain protein 1; plus strand). Cytogenetic location: 2p21.
Variant type: single nucleotide variant.
Coding change: c.2090C>T on transcript NM_001430.5 (MANE Select); coding-DNA position 2090, C replaced by T.
Protein change: p.Pro697Leu; replaces proline 697 with leucine.
Molecular consequence: missense variant.
Genome position (GRCh38, 1-based): chr2:46,381,640, C>T. VCF-style: chr2-46381640-C-T. GRCh37 (hg19) VCF-style: chr2-46608779-C-T.
Other names: short protein forms P697L.
Identifiers: ClinVar variation 1785731 (VCV001785731.3), dbSNP rs1246339395, ClinGen allele CA346705510.

ClinVar aggregate classification (germline): Uncertain significance (1 of 4 stars; one submission).

Conditions:
Inborn genetic diseases. Identifiers: MedGen C0950123, MeSH D030342.

Allele frequency attached by ClinVar (database versions not stated): gnomAD 0.00001; gnomAD exomes 0.00001; TOPMed 0.00002.

Submission:

Ambry Genetics
Classification: Uncertain significance for Inborn genetic diseases. Last evaluated: 2023-07-13. Review status: criteria provided, single submitter. Criteria: Ambry Variant Classification Scheme 2023. Collection method: clinical testing. Allele origin: germline.
Comment: The p.P697L variant (also known as c.2090C>T), located in coding exon 13 of the EPAS1 gene, results from a C to T substitution at nucleotide position 2090. The proline at codon 697 is replaced by leucine, an amino acid with similar properties. This amino acid position is conserved. In addition, the in silico prediction for this alteration is inconclusive. Since supporting evidence is limited at this time, the clinical significance of this alteration remains unclear.